The following is an entry in ClinVar:

NM_020458.4(TTC7A):c.1919+4A>G

Gene: TTC7A (tetratricopeptide repeat domain 7A; plus strand). Cytogenetic location: 2p21.
Variant type: single nucleotide variant.
Coding change: c.1919+4A>G on transcript NM_020458.4 (MANE Select); 4 bases into the intron after coding-DNA position 1919, A replaced by G.
Molecular consequence: intron variant.
Genome position (GRCh38, 1-based): chr2:47,046,435, A>G. VCF-style: chr2-47046435-A-G. GRCh37 (hg19) VCF-style: chr2-47273574-A-G.
Other names: c.1817+4A>G (NM_001288953.2); c.1919+4A>G (NM_001288951.2); c.857+4A>G (NM_001288955.2).
Identifiers: ClinVar variation 957801 (VCV000957801.8), dbSNP rs751964737, ClinGen allele CA1139657026.

ClinVar aggregate classification (germline): Uncertain significance (1 of 4 stars; one submission).

Conditions:
Multiple gastrointestinal atresias. Also called: Multiple intestinal atresia; FAMILIAL INTESTINAL POLYATRESIA SYNDROME. Identifiers: Orphanet 2300, MedGen C0220744, MONDO:0009465.

gnomAD v4.1: 1 of 1,612,164 alleles (0.000062%); highest among the groups gnomAD compares: East Asian, 0.0022%; no homozygotes.

Submission:

Labcorp Genetics (formerly Invitae), Labcorp
Classification: Uncertain significance for Multiple gastrointestinal atresias. Last evaluated: 2020-02-22. Review status: criteria provided, single submitter. Criteria: Invitae Variant Classification Sherloc (09022015). Collection method: clinical testing. Allele origin: germline.
Comment: Nucleotide substitutions within the consensus splice site are a relatively common cause of aberrant splicing (PMID: 17576681, 9536098). Algorithms developed to predict the effect of sequence changes on RNA splicing suggest that this variant may disrupt the consensus splice site, but this prediction has not been confirmed by published transcriptional studies. This variant has not been reported in the literature in individuals with TTC7A-related conditions. This variant is not present in population databases (ExAC no frequency). This sequence change falls in intron 16 of the TTC7A gene. It does not directly change the encoded amino acid sequence of the TTC7A protein, but it affects a nucleotide within the consensus splice site of the intron. In summary, the available evidence is currently insufficient to determine the role of this variant in disease. Therefore, it has been classified as a Variant of Uncertain Significance.

Literature cited by the submitters: PubMed 17576681; PubMed 9536098.